The following is an entry in ClinVar:

ClinVar aggregate classification (germline): Uncertain significance (1 of 4 stars; one submission).

Conditions:
GRIN2C-related disorder. Also called: GRIN2C-related condition.

gnomAD v4.1: 1 of 1,613,572 alleles (0.000062%); no homozygotes.

Submission:

PreventionGenetics, part of Exact Sciences
Classification: Uncertain significance for GRIN2C-related condition. Last evaluated: 2023-07-17. Review status: criteria provided, single submitter. Criteria: ACMG Guidelines, 2015. Collection method: clinical testing. Allele origin: germline.
Comment: The GRIN2C c.1295C>G variant is predicted to result in the amino acid substitution p.Pro432Arg. To our knowledge, this variant has not been reported in the literature or in a large population database, indicating this variant is rare. At this time, the clinical significance of this variant is uncertain due to the absence of conclusive functional and genetic evidence.

NM_000835.6(GRIN2C):c.1295C>G (p.Pro432Arg)

Gene: GRIN2C (glutamate ionotropic receptor NMDA type subunit 2C; minus strand). Cytogenetic location: 17q25.1.
Variant type: single nucleotide variant.
Coding change: c.1295C>G on transcript NM_000835.6 (MANE Select); coding-DNA position 1295, C replaced by G.
Protein change: p.Pro432Arg; replaces proline 432 with arginine.
Molecular consequence: missense variant. On other transcripts: non-coding transcript variant (1).
Genome position (GRCh38, 1-based): chr17:74,850,586, G>C on the plus strand (C>G on the coding strand, the complement: GRIN2C is on the minus strand). VCF-style: chr17-74850586-G-C. GRCh37 (hg19) VCF-style: chr17-72846725-G-C.
Other names: c.1295C>G, p.Pro432Arg (NM_001278553.2); short protein forms P432R.
Identifiers: ClinVar variation 2632197 (VCV002632197.1), dbSNP rs958568011, ClinGen allele CA400956930.
Genomic context (GRCh38, chr17:74,850,586, plus strand): 5'-CACACTAGCCTCCCAGGGCCCTCCACAGACCTGAAGGTGTGGTTGCTCTGCCTGCGGCAG[G>C]GCACGGTGTTGGGGACACAGCCTCCTGTGCCAGGGTCAGGGCTCTCCACGATGACAAAGG-3'
Protein context (NP_000826.2, residues 422-442): GTGGCVPNTV[Pro432Arg]CRRQSNHTFS